The following is an entry in ClinVar:

ClinVar aggregate classification (germline): Uncertain significance (1 of 4 stars; one submission).

gnomAD v4.1: 1 of 1,614,158 alleles (0.000062%); highest among the groups gnomAD compares: Non-Finnish European, 0.000085%; no homozygotes.

Submission:

Labcorp Genetics (formerly Invitae), Labcorp
Classification: Uncertain significance. Last evaluated: 2024-09-21. Review status: criteria provided, single submitter. Criteria: Invitae Variant Classification Sherloc (09022015). Collection method: clinical testing. Allele origin: germline.
Comment: This sequence change replaces asparagine, which is neutral and polar, with aspartic acid, which is acidic and polar, at codon 1032 of the ERBIN protein (p.Asn1032Asp). This variant is not present in population databases (gnomAD no frequency). This variant has not been reported in the literature in individuals affected with ERBIN-related conditions. An algorithm developed to predict the effect of missense changes on protein structure and function (PolyPhen-2) suggests that this variant is likely to be disruptive. In summary, the available evidence is currently insufficient to determine the role of this variant in disease. Therefore, it has been classified as a Variant of Uncertain Significance.

NM_001253697.2(ERBIN):c.3094A>G (p.Asn1032Asp)

Gene: ERBIN (erbb2 interacting protein; plus strand). Cytogenetic location: 5q12.3.
Variant type: single nucleotide variant.
Coding change: c.3094A>G on transcript NM_001253697.2 (MANE Select); coding-DNA position 3094, A replaced by G.
Protein change: p.Asn1032Asp; replaces asparagine 1032 with aspartic acid.
Molecular consequence: missense variant.
Genome position (GRCh38, 1-based): chr5:66,054,412, A>G. VCF-style: chr5-66054412-A-G. GRCh37 (hg19) VCF-style: chr5-65350240-A-G.
Other names: c.3094A>G, p.Asn1032Asp (NM_001006600.3, NM_001253698.2, NM_001253699.2 and 1 more transcripts); c.3082A>G, p.Asn1028Asp (NM_001253701.2); short protein forms N1028D, N1032D.
Identifiers: ClinVar variation 3684918 (VCV003684918.2).